The following is an entry in ClinVar:

ClinVar aggregate classification (germline): Uncertain significance (1 of 4 stars; one submission).

Submission:

Labcorp Genetics (formerly Invitae), Labcorp
Classification: Uncertain significance. Last evaluated: 2024-10-23. Review status: criteria provided, single submitter. Criteria: Invitae Variant Classification Sherloc (09022015). Collection method: clinical testing. Allele origin: germline.
Comment: This sequence change replaces alanine, which is neutral and non-polar, with glycine, which is neutral and non-polar, at codon 1577 of the MTOR protein (p.Ala1577Gly). This variant is not present in population databases (gnomAD no frequency). This variant has not been reported in the literature in individuals affected with MTOR-related conditions. Invitae Evidence Modeling of protein sequence and biophysical properties (such as structural, functional, and spatial information, amino acid conservation, physicochemical variation, residue mobility, and thermodynamic stability) indicates that this missense variant is not expected to disrupt MTOR protein function with a negative predictive value of 95%. In summary, the available evidence is currently insufficient to determine the role of this variant in disease. Therefore, it has been classified as a Variant of Uncertain Significance.

NM_004958.4(MTOR):c.4730C>G (p.Ala1577Gly)

Genes: MTOR (mechanistic target of rapamycin kinase; minus strand), MTOR-AS1 (MTOR antisense RNA 1; plus strand). Cytogenetic location: 1p36.22.
Variant type: single nucleotide variant.
Coding change: c.4730C>G on transcript NM_004958.4 (MANE Select); coding-DNA position 4730, C replaced by G.
Protein change: p.Ala1577Gly; replaces alanine 1577 with glycine.
Molecular consequence: missense variant.
Genome position (GRCh38, 1-based): chr1:11,145,002, G>C on the plus strand (C>G on the coding strand, the complement: MTOR is on the minus strand). VCF-style: chr1-11145002-G-C. GRCh37 (hg19) VCF-style: chr1-11205059-G-C.
Other names: c.4730C>G, p.Ala1577Gly (NM_001386500.1); c.3482C>G, p.Ala1161Gly (NM_001386501.1); short protein forms A1577G, A1161G.
Identifiers: ClinVar variation 2769029 (VCV002769029.3), dbSNP rs2100509950, ClinGen allele CA338366692.
Genomic context (GRCh38, chr1:11,145,002, plus strand): 5'-CAATGTGCAGAATAGTTGACACTTACCCCATATGCCCGACTGTAACTCTCTCCTGCCATC[G>C]CAGTTAATTCAGCATCCAGCAGGTCCCTGGCCTTGTCAATGCACTAGAAGAGAAACAACC-3'
Protein context (NP_004949.1, residues 1567-1587): ARDLLDAELT[Ala1577Gly]MAGESYSRAY